The following is an entry in ClinVar:

ClinVar aggregate classification (germline): Likely pathogenic (0 of 4 stars; one submission).

Conditions:
CELF2-related disorder. Also called: CELF2-related condition.

Submission:

PreventionGenetics, part of Exact Sciences
Classification: Likely pathogenic for CELF2-related condition. Last evaluated: 2023-10-28. Review status: no assertion criteria provided. Collection method: clinical testing. Allele origin: germline.
Comment: The CELF2 c.1049-2A>T variant is predicted to disrupt the AG splice acceptor site and interfere with normal splicing. To our knowledge, this variant has not been reported in the literature or in a large population database, indicating this variant is rare. Variants that disrupt the consensus splice acceptor site in CELF2 are expected to be pathogenic. This variant is interpreted as likely pathogenic.

NM_001326342.2(CELF2):c.977-2A>T

Gene: CELF2 (CUGBP Elav-like family member 2; plus strand). Cytogenetic location: 10p14.
Variant type: single nucleotide variant.
Coding change: c.977-2A>T on transcript NM_001326342.2 (MANE Select); the canonical splice acceptor site of the intron before coding-DNA position 977, A replaced by T.
Molecular consequence: splice acceptor variant.
Genome position (GRCh38, 1-based): chr10:11,314,137, A>T. VCF-style: chr10-11314137-A-T. GRCh37 (hg19) VCF-style: chr10-11356100-A-T.
Other names: c.884-2A>T (NM_001326323.2, NM_001326320.2, NM_001326319.2 and 15 more transcripts); c.1049-2A>T (NM_001326325.2); c.992-2A>T (NM_001326327.2, NM_001326326.2); c.956-2A>T (NM_001326336.2, NM_001326335.2, NM_001326337.2 and 4 more transcripts); c.272-2A>T (NM_001326333.2, NM_001326346.2); c.623-2A>T (NM_001326339.2, NM_001326338.2); c.977-2A>T (NM_001326343.2, NM_001326340.2, NM_001394519.1 and 4 more transcripts); c.908-2A>T (NM_001326347.1).
Identifiers: ClinVar variation 3054657 (VCV003054657.2), dbSNP rs201674366, ClinGen allele CA202511714.
Genomic context (GRCh38, chr10:11,314,137, plus strand): 5'-CAGTCTCGGCTCTCACTCACCTCGTGTCTTCTCTCCCCTTGTCTCTGTTTTCCTTTTTTC[A>T]GTGGCTGCTTCAACCCCCAACTCCACTGCTGGTGCAGCCATGAACTCCTTGACCTCTCTC-3'